The following is an entry in ClinVar:

ClinVar aggregate classification (germline): Uncertain significance. Review status: criteria provided, multiple submitters, no conflicts (2 of 4 stars). 2 submissions from 2 submitters: Uncertain significance (2). Last evaluated 2026-08-27.

Conditions:
Hereditary cancer-predisposing syndrome. Also called: Neoplastic Syndromes, Hereditary; Hereditary Cancer Syndrome; Tumor predisposition; Hereditary neoplastic syndrome. Identifiers: Orphanet 140162, MedGen C0027672, MeSH D009386, MONDO:0015356.

Submissions (2):

Ambry Genetics
Classification: Uncertain significance for Hereditary cancer-predisposing syndrome. Last evaluated: 2026-08-27. Review status: criteria provided, single submitter. Criteria: Ambry Variant Classification Scheme 2023. Collection method: clinical testing. Allele origin: germline.
Comment: The p.D112E variant (also known as c.336T>G), located in coding exon 4 of the BMPR1A gene, results from a T to G substitution at nucleotide position 336. The aspartic acid at codon 112 is replaced by glutamic acid, an amino acid with highly similar properties. This amino acid position is highly conserved in available vertebrate species. In addition, the in silico prediction for this alteration is inconclusive. Based on the available evidence, the clinical significance of this variant remains unclear.

Color Diagnostics, LLC DBA Color Health
Classification: Uncertain significance for Hereditary cancer-predisposing syndrome. Last evaluated: 2019-05-16. Review status: criteria provided, single submitter. Criteria: ACMG Guidelines, 2015. Collection method: clinical testing. Allele origin: germline.

NM_004329.3(BMPR1A):c.336T>G (p.Asp112Glu)

Gene: BMPR1A (bone morphogenetic protein receptor type 1A; plus strand). Cytogenetic location: 10q23.2.
Variant type: single nucleotide variant.
Coding change: c.336T>G on transcript NM_004329.3 (MANE Select); coding-DNA position 336, T replaced by G.
Protein change: p.Asp112Glu; replaces aspartic acid 112 with glutamic acid.
Molecular consequence: missense variant.
Genome position (GRCh38, 1-based): chr10:86,899,796, T>G. VCF-style: chr10-86899796-T-G. GRCh37 (hg19) VCF-style: chr10-88659553-T-G.
Other names: short protein forms D112E.
Identifiers: ClinVar variation 920391 (VCV000920391.3), dbSNP rs1843279413, ClinGen allele CA377449249.